The following is an entry in ClinVar:

NM_020949.3(SLC7A14):c.712G>A (p.Gly238Arg)

Genes: SLC7A14 (solute carrier family 7 member 14; minus strand), SLC7A14-AS1 (SLC7A14 antisense RNA 1; plus strand). Cytogenetic location: 3q26.2.
Variant type: single nucleotide variant.
Coding change: c.712G>A on transcript NM_020949.3 (MANE Select); coding-DNA position 712, G replaced by A.
Protein change: p.Gly238Arg; replaces glycine 238 with arginine.
Molecular consequence: missense variant.
Genome position (GRCh38, 1-based): chr3:170,498,714, C>T on the plus strand (G>A on the coding strand, the complement: SLC7A14 is on the minus strand). VCF-style: chr3-170498714-C-T. GRCh37 (hg19) VCF-style: chr3-170216503-C-T.
Other names: short protein forms G238R.
Identifiers: ClinVar variation 951861 (VCV000951861.11), dbSNP rs141548910, ClinGen allele CA88020800.
Genomic context (GRCh38, chr3:170,498,714, plus strand): 5'-GGAACAAACTTACCCCTGACCAGCCGTGGGGCAAGAACTGGCCCTCCGCCCAGTATTTCC[C>T]ATTGATGAAGAAGAGGCCTGCGATCATGATGAACACCCATACTGCCAGGTTCAGCACATT-3'
Protein context (NP_066000.2, residues 228-248): IMIAGLFFIN[Gly238Arg]KYWAEGQFLP

ClinVar aggregate classification (germline): Uncertain significance. Review status: criteria provided, multiple submitters, no conflicts (2 of 4 stars). 3 submissions from 3 submitters: Uncertain significance (3). Last evaluated 2025-03-31.

Allele frequency attached by ClinVar (database versions not stated): gnomAD exomes below 0.00001; TOPMed 0.00003.
gnomAD v4.1: 8 of 1,614,154 alleles (0.0005%); highest among the groups gnomAD compares: East Asian, 0.0022%; no homozygotes.

Submissions (3):

Labcorp Genetics (formerly Invitae), Labcorp
Classification: Uncertain significance. Last evaluated: 2025-03-31. Review status: criteria provided, single submitter. Criteria: Invitae Variant Classification Sherloc (09022015). Collection method: clinical testing. Allele origin: germline.
Comment: This sequence change replaces glycine, which is neutral and non-polar, with arginine, which is basic and polar, at codon 238 of the SLC7A14 protein (p.Gly238Arg). This variant is present in population databases (no rsID available, gnomAD 0.0009%). This variant has not been reported in the literature in individuals affected with SLC7A14-related conditions. ClinVar contains an entry for this variant (Variation ID: 951861). An algorithm developed to predict the effect of missense changes on protein structure and function (PolyPhen-2) suggests that this variant is likely to be disruptive. In summary, the available evidence is currently insufficient to determine the role of this variant in disease. Therefore, it has been classified as a Variant of Uncertain Significance.

Blueprint Genetics
Classification: Uncertain significance. Last evaluated: 2022-09-26. Review status: criteria provided, single submitter. Criteria: ACMG Guidelines, 2015. Collection method: clinical testing. Allele origin: germline.

Ambry Genetics
Classification: Uncertain significance. Last evaluated: 2021-09-17. Review status: criteria provided, single submitter. Criteria: Ambry Variant Classification Scheme 2023. Collection method: clinical testing. Allele origin: germline.